The following continues an entry in ClinVar:

NM_000540.3(RYR1):c.1597C>T (p.Arg533Cys)

Gene: RYR1. ClinVar aggregate classification (germline): Pathogenic; drug response. Pathogenic (1).

Submissions 12 to 16 of 16:

Women's Health and Genetics/Laboratory Corporation of America, LabCorp
Classification: Pathogenic for Malignant hyperthermia of anesthesia. Last evaluated: 2024-06-14. Review status: criteria provided, single submitter. Criteria: LabCorp Variant Classification Summary - May 2015. Collection method: clinical testing. Allele origin: germline. Not counted in ClinVar's aggregate classification.
Comment: Variant summary: RYR1 c.1597C>T (p.Arg533Cys) results in a non-conservative amino acid change located in the RIH domain (IPR000699) of the encoded protein sequence. Five of five in-silico tools predict a damaging effect of the variant on protein function. The variant was absent in 251492 control chromosomes. c.1597C>T has been reported in the literature in the heterozygous state in at least one family affected with malignant hyperthermia susceptibility where it segregated with disease and in at least one individual with rhabdomyolysis (e.g.Tammaro_2003, Knuiman_2019). These data indicate that the variant is very likely to be associated with disease. At least one in vitro study in HEK293 cells reports experimental evidence that this variant reduces EC50 for 4-CmC activation compared with WT (e.g. Sato_2013). The following publications have been ascertained in the context of this evaluation (PMID: 30788618, 23459219, 12709367). ClinVar contains an entry for this variant (Variation ID: 133102). Based on the evidence outlined above, the variant was classified as pathogenic.

All of Us Research Program, National Institutes of Health
Classification: Pathogenic for Malignant hyperthermia, susceptibility to, 1. Last evaluated: 2023-08-15. Review status: criteria provided, single submitter. Criteria: ACMG Guidelines, 2015. Collection method: clinical testing. Allele origin: germline. Inheritance: Autosomal dominant inheritance. Observed: 1 variant allele, 1 heterozygote. Not counted in ClinVar's aggregate classification.
Comment: This missense variant replaces arginine with cysteine at codon 533 of the RYR1 protein. Computational prediction suggests that this variant may have deleterious impact on protein structure and function (internally defined REVEL score threshold >= 0.7, PMID: 27666373). Functional studies have shown that this variant increases sensitivity to RYR1 agonist 4-chloro-m-cresol (PMID: 23459219). This variant has been reported in an individual affected with malignant hyperthermia and has been shown to segregate with disease in eight additional family members (PMID: 12709367). This variant has not been identified in the general population by the Genome Aggregation Database (gnomAD). Based on the available evidence, this variant is classified as Pathogenic.

This study involves interpretation of variants in research participants for the purpose of population health screening. Participant phenotype was not available at the time of variant classification. Additional details can be found in publication PMID: 35346344, PMCID: PMC8962531

AiLife Diagnostics
Classification: Pathogenic. Last evaluated: 2021-10-12. Review status: criteria provided, single submitter. Criteria: ACMG Guidelines, 2015. Collection method: clinical testing. Allele origin: germline. Affected: yes. Observed: 1 variant allele. Not counted in ClinVar's aggregate classification.

Revvity Omics, Revvity
Classification: Likely pathogenic. Last evaluated: 2020-08-11. Review status: criteria provided, single submitter. Criteria: ACMG Guidelines, 2015. Collection method: clinical testing. Allele origin: germline. Not counted in ClinVar's aggregate classification.

RYR1 database
No classification provided. Review status: no classification provided. Collection method: not provided. Allele origin: unknown. Not counted in ClinVar's aggregate classification.

Literature cited by the submitters: PubMed 12709367 (cited by 5 submitters); PubMed 20681998 (cited by ClinPGx and Labcorp Genetics (formerly Invitae), Labcorp); PubMed 23459219 (cited by 4 submitters); PubMed 30788618 (cited by Women's Health and Genetics/Laboratory Corporation of America, LabCorp and AiLife Diagnostics).